The following is an entry in ClinVar:

NM_001069.3(TUBB2A):c.731G>C (p.Gly244Ala)

Gene: TUBB2A (tubulin beta 2A class IIa; minus strand). Cytogenetic location: 6p25.2.
Variant type: single nucleotide variant.
Coding change: c.731G>C on transcript NM_001069.3 (MANE Select); coding-DNA position 731, G replaced by C.
Protein change: p.Gly244Ala; replaces glycine 244 with alanine.
Molecular consequence: missense variant.
Genome position (GRCh38, 1-based): chr6:3,154,470, C>G on the plus strand (G>C on the coding strand, the complement: TUBB2A is on the minus strand). VCF-style: chr6-3154470-C-G. GRCh37 (hg19) VCF-style: chr6-3154704-C-G.
Other names: c.476G>C, p.Gly159Ala (NM_001310315.2); short protein forms G244A, G159A.
Identifiers: ClinVar variation 384308 (VCV000384308.2), dbSNP rs1057521918, ClinGen allele CA16605030.
Genomic context (GRCh38, chr6:3,154,470, plus strand): 5'-TGCAGGCGAGGGAAGGGCACCATGTTCACCGCCAGCTTGCGCAGGTCTGCGTTCAGCTGG[C>G]CCGGGAAGCGCAGGCAGGTGGTGACCCCGCTCATGGTGGCCGACACCAGGTGGTTGAGGT-3'
Protein context (NP_001060.1, residues 234-254): SGVTTCLRFP[Gly244Ala]QLNADLRKLA

ClinVar aggregate classification (germline): Likely pathogenic (1 of 4 stars; one submission).

Submission:

GeneDx
Classification: Likely pathogenic. Last evaluated: 2016-08-25. Review status: criteria provided, single submitter. Criteria: GeneDx Variant Classification (06012015). Collection method: clinical testing. Allele origin: germline. Affected: yes.
Comment: The G244A variant in the TUBB2A gene has not been published as a pathogenic variant, nor has it been reported as a benign variant to our knowledge. It was not observed in approximately 6,400 individuals of European and African American ancestry in the NHLBI Exome Sequencing Project, indicating it is not a common benign variant in these populations. This substitution occurs at a position that is conserved across species, and missense variants in nearby residues (N247K, A248V) have been reported in the Human Gene Mutation Database in association with TUBB2A-related disorders (Stenson et al., 2014). In silico analysis predicts this variant is probably damaging to the protein structure/function. However, the G244A variant is a conservative amino acid substitution, which is not likely to impact secondary protein structure as these residues share similar properties. This variant is assumed de novo. Therefore, this variant is likely pathogenic; however, the possibility that it is benign cannot be excluded.